The following is an entry in ClinVar:

ClinVar aggregate classification (germline): Uncertain significance (1 of 4 stars; one submission).

Conditions:
Inborn genetic diseases. Identifiers: MedGen C0950123, MeSH D030342.

gnomAD v4.1: 1 of 1,613,104 alleles (0.000062%); highest among the groups gnomAD compares: South Asian, 0.0011%; no homozygotes.

Submission:

Ambry Genetics
Classification: Uncertain significance for Inborn genetic diseases. Last evaluated: 2026-03-20. Review status: criteria provided, single submitter. Criteria: Ambry Variant Classification Scheme 2023. Collection method: clinical testing. Allele origin: germline.
Comment: The p.L1320S variant (also known as c.3959T>C), located in coding exon 27 of the ANKRD26 gene, results from a T to C substitution at nucleotide position 3959. The leucine at codon 1320 is replaced by serine, an amino acid with dissimilar properties. This amino acid position is conserved. In addition, this alteration is predicted to be tolerated by in silico analysis. Based on the available evidence, the clinical significance of this variant remains unclear.

NM_014915.3(ANKRD26):c.3959T>C (p.Leu1320Ser)

Gene: ANKRD26 (ankyrin repeat domain 26; minus strand). Cytogenetic location: 10p12.1.
Variant type: single nucleotide variant.
Coding change: c.3959T>C on transcript NM_014915.3 (MANE Select); coding-DNA position 3959, T replaced by C.
Protein change: p.Leu1320Ser; replaces leucine 1320 with serine.
Molecular consequence: missense variant.
Genome position (GRCh38, 1-based): chr10:27,028,865, A>G on the plus strand (T>C on the coding strand, the complement: ANKRD26 is on the minus strand). VCF-style: chr10-27028865-A-G. GRCh37 (hg19) VCF-style: chr10-27317794-A-G.
Other names: c.3956T>C, p.Leu1319Ser (NM_001256053.2); short protein forms L1319S, L1320S.
Identifiers: ClinVar variation 4858937 (VCV004858937.1).
Genomic context (GRCh38, chr10:27,028,865, plus strand): 5'-CAATAAAATTCCTTTTCAGTACGACAGAAATTAAGTGGCTGACTTACCAAATTTGCATTT[A>G]ACAGGTTTTTCTGAAGCTCCTCAATTTTGTCCATTTGCTTTTTGACTGTAACTTTTAACT-3'
Protein context (NP_055730.2, residues 1310-1330): DKIEELQKNL[Leu1320Ser]NANLSEDEKE